The following is an entry in ClinVar:

NM_005918.4(MDH2):c.950C>T (p.Ser317Leu)

Gene: MDH2 (malate dehydrogenase 2; plus strand). Cytogenetic location: 7q11.23.
Variant type: single nucleotide variant.
Coding change: c.950C>T on transcript NM_005918.4 (MANE Select); coding-DNA position 950, C replaced by T.
Protein change: p.Ser317Leu; replaces serine 317 with leucine.
Molecular consequence: missense variant.
Genome position (GRCh38, 1-based): chr7:76,066,343, C>T. VCF-style: chr7-76066343-C-T. GRCh37 (hg19) VCF-style: chr7-75695661-C-T.
Other names: c.824C>T, p.Ser275Leu (NM_001282403.2); c.629C>T, p.Ser210Leu (NM_001282404.2); c.950C>T (NM_005918.2); short protein forms S210L, S275L, S317L.
Identifiers: ClinVar variation 1515895 (VCV001515895.4), dbSNP rs530298388, ClinGen allele CA4305778.

ClinVar aggregate classification (germline): Uncertain significance. Review status: criteria provided, multiple submitters, no conflicts (2 of 4 stars). 2 submissions from 2 submitters: Uncertain significance (2). Last evaluated 2025-09-22.

Conditions:
Inborn genetic diseases. Identifiers: MedGen C0950123, MeSH D030342.

Allele frequency attached by ClinVar (database versions not stated): gnomAD exomes 0.00001; TOPMed below 0.00001; ExAC 0.00001.
gnomAD v4.1: 23 of 1,610,676 alleles (0.0014%); highest among the groups gnomAD compares: Admixed American, 0.0067%; no homozygotes.

Submissions (2):

Ambry Genetics
Classification: Uncertain significance for Inborn genetic diseases. Last evaluated: 2025-09-22. Review status: criteria provided, single submitter. Criteria: Ambry Variant Classification Scheme 2023. Collection method: clinical testing. Allele origin: germline.

Labcorp Genetics (formerly Invitae), Labcorp
Classification: Uncertain significance. Last evaluated: 2021-09-18. Review status: criteria provided, single submitter. Criteria: Invitae Variant Classification Sherloc (09022015). Collection method: clinical testing. Allele origin: germline.
Comment: This sequence change replaces serine with leucine at codon 317 of the MDH2 protein (p.Ser317Leu). The serine residue is weakly conserved and there is a large physicochemical difference between serine and leucine. This variant is present in population databases (rs530298388, ExAC 0.009%). This variant has not been reported in the literature in individuals affected with MDH2-related conditions. Algorithms developed to predict the effect of missense changes on protein structure and function (SIFT, PolyPhen-2, Align-GVGD) all suggest that this variant is likely to be tolerated. In summary, the available evidence is currently insufficient to determine the role of this variant in disease. Therefore, it has been classified as a Variant of Uncertain Significance.